The following is an entry in ClinVar:

ClinVar aggregate classification (germline): Uncertain significance. Review status: criteria provided, multiple submitters, no conflicts (2 of 4 stars). 2 submissions from 2 submitters: Uncertain significance (2). Last evaluated 2026-08-19.

Conditions:
Gastrointestinal stromal tumor. Also called: Gastrointestinal stroma tumor; Gastrointestinal stromal tumor, somatic. Identifiers: Orphanet 44890, MedGen C0238198, MeSH D046152, MONDO:0011719, OMIM 606764, HP:0100723.
Hereditary cancer-predisposing syndrome. Also called: Hereditary neoplastic syndrome; Neoplastic Syndromes, Hereditary; Tumor predisposition; Hereditary Cancer Syndrome. Identifiers: Orphanet 140162, MedGen C0027672, MeSH D009386, MONDO:0015356.

Submissions (2):

Ambry Genetics
Classification: Uncertain significance for Hereditary cancer-predisposing syndrome. Last evaluated: 2026-08-19. Review status: criteria provided, single submitter. Criteria: Ambry Variant Classification Scheme 2023. Collection method: clinical testing. Allele origin: germline.
Comment: The c.107_108delAAinsTT variant (also known as p.E36V), located in coding exon 2 of the PDGFRA gene, results from an in-frame deletion of AA and insertion of TT at nucleotide positions 107 to 108. This results in the substitution of the glutamic acid residue for a valine residue at codon 36, an amino acid with dissimilar properties. This amino acid position is highly conserved in available vertebrate species. In addition, the in silico prediction for this alteration is inconclusive. Based on the available evidence, the clinical significance of this variant remains unclear.

Labcorp Genetics (formerly Invitae), Labcorp
Classification: Uncertain significance for Gastrointestinal stromal tumor. Last evaluated: 2022-07-03. Review status: criteria provided, single submitter. Criteria: Invitae Variant Classification Sherloc (09022015). Collection method: clinical testing. Allele origin: germline.
Comment: In summary, the available evidence is currently insufficient to determine the role of this variant in disease. Therefore, it has been classified as a Variant of Uncertain Significance. Algorithms developed to predict the effect of missense changes on protein structure and function are either unavailable or do not agree on the potential impact of this missense change (SIFT: "Not Available"; PolyPhen-2: "Probably Damaging"; Align-GVGD: "Not Available"). This variant has not been reported in the literature in individuals affected with PDGFRA-related conditions. Information on the frequency of this variant in the gnomAD database is not available, as this variant may be reported differently in the database. This sequence change replaces glutamic acid, which is acidic and polar, with valine, which is neutral and non-polar, at codon 36 of the PDGFRA protein (p.Glu36Val).

NM_006206.6(PDGFRA):c.107_108inv (p.Glu36Val)

Gene: PDGFRA (platelet derived growth factor receptor alpha; plus strand). Cytogenetic location: 4q12.
Variant type: Inversion.
Coding change: c.107_108inv on transcript NM_006206.6 (MANE Select).
Protein change: p.Glu36Val; replaces glutamic acid 36 with valine.
Molecular consequence: missense variant.
Genome position: GRCh38 VCF-style: chr4-54261152-AA-TT. GRCh37 (hg19) VCF-style: chr4-55127319-AA-TT.
Other names: c.107_108inv, p.Glu36Val (NM_001347827.2, NM_001347829.2); c.182_183inv, p.Glu61Val (NM_001347828.2); c.146_147inv, p.Glu49Val (NM_001347830.2); c.107_108delAAinsTT (NM_006206.4); short protein forms E36V, E49V, E61V.
Identifiers: ClinVar variation 2012935 (VCV002012935.5), ClinGen allele CA2580071153.